The following is an entry in ClinVar:

NM_001267550.2(TTN):c.21197A>G (p.Lys7066Arg)

Genes: TTN (titin; minus strand), LOC126806428 (BRD4-independent group 4 enhancer GRCh37_chr2:179588362-179589561; plus strand). Cytogenetic location: 2q31.2.
Variant type: single nucleotide variant.
Coding change: c.21197A>G on transcript NM_001267550.2 (MANE Select); coding-DNA position 21197, A replaced by G.
Protein change: p.Lys7066Arg; replaces lysine 7066 with arginine.
Molecular consequence: missense variant. On other transcripts: intron variant (3).
Genome position (GRCh38, 1-based): chr2:178,724,062, T>C on the plus strand (A>G on the coding strand, the complement: TTN is on the minus strand). VCF-style: chr2-178724062-T-C. GRCh37 (hg19) VCF-style: chr2-179588789-T-C.
Other names: p.K6749R:AAA>AGA; c.21197A>G (LRG_391t1); c.20246A>G, p.Lys6749Arg (NM_001256850.1); c.17465A>G, p.Lys5822Arg (NM_133378.4); c.13282+14020A>G (NM_003319.4); c.13858+14020A>G (NM_133437.4); c.13657+14020A>G (NM_133432.3); short protein forms K6749R, K7066R, K5822R.
Identifiers: ClinVar variation 203294 (VCV000203294.28), dbSNP rs553548392, ClinGen allele CA311948.

ClinVar aggregate classification (germline): Conflicting classifications of pathogenicity. Review status: criteria provided, conflicting classifications (1 of 4 stars). 8 submissions from 8 submitters: Uncertain significance (1); Benign (2); Likely benign (4). 1 of the submissions does not count toward it. Last evaluated 2026-01-19.

Conditions:
TTN-related disorder. Also called: TTN-related condition; TTN-related disease; TTN-related disorders.
Autosomal recessive limb-girdle muscular dystrophy type 2J (LGMDR10). Also called: MUSCULAR DYSTROPHY, LIMB-GIRDLE, AUTOSOMAL RECESSIVE 10; Limb-girdle muscular dystrophy, type 2J. Identifiers: Orphanet 140922, MedGen C1837342, MONDO:0012127, OMIM 608807.
Dilated cardiomyopathy 1G (CMD1G). Identifiers: Orphanet 154, MedGen C1858763, MONDO:0011400, OMIM 604145.

Allele frequency attached by ClinVar (database versions not stated): TOPMed 0.00034; gnomAD 0.00013 and 0.00014; gnomAD exomes 0.00013 and 0.00027; 1000 Genomes Project 30x 0.00016; 1000 Genomes Project 0.00020; ExAC 0.00023.
gnomAD v4.1: 100 of 1,613,490 alleles (0.0062%); highest among the groups gnomAD compares: Admixed American, 0.16%; no homozygotes.

Submissions (8):

Labcorp Genetics (formerly Invitae), Labcorp
Classification: Likely benign for Dilated cardiomyopathy 1G; Autosomal recessive limb-girdle muscular dystrophy type 2J. Last evaluated: 2026-01-19. Review status: criteria provided, single submitter. Criteria: Invitae Variant Classification Sherloc (09022015). Collection method: clinical testing. Allele origin: germline.

Revvity Omics, Revvity
Classification: Likely benign. Last evaluated: 2023-09-25. Review status: criteria provided, single submitter. Criteria: ACMG Guidelines, 2015. Collection method: clinical testing. Allele origin: germline.

Blueprint Genetics
Classification: Likely benign. Last evaluated: 2022-08-13. Review status: criteria provided, single submitter. Criteria: ACMG Guidelines, 2015. Collection method: clinical testing. Allele origin: germline.

GeneDx
Classification: Likely benign. Last evaluated: 2021-01-29. Review status: criteria provided, single submitter. Criteria: GeneDx Variant Classification Process June 2021. Collection method: clinical testing. Allele origin: germline. Affected: yes.

Laboratory for Molecular Medicine, Mass General Brigham Personalized Medicine
Classification: Benign. Last evaluated: 2018-10-24. Review status: criteria provided, single submitter. Criteria: LMM Criteria. Collection method: clinical testing. Allele origin: germline. Observed: 1 variant allele.
Comment: The p.Lys5822Arg variant in TTN is classified as benign because it has been iden tified in 0.18% (66/35238) of Latino chromosomes by gnomAD. ACMG/AMP Criteria applied: BA1.

Athena Diagnostics
Classification: Benign. Last evaluated: 2018-06-07. Review status: criteria provided, single submitter. Criteria: Athena Diagnostics Criteria. Collection method: clinical testing. Allele origin: germline.

Eurofins Ntd Llc (ga)
Classification: Uncertain significance. Last evaluated: 2017-11-13. Review status: criteria provided, single submitter. Criteria: EGL Classification Definitions 2015. Collection method: clinical testing. Allele origin: germline. Observed: 3 variant alleles, 3 heterozygotes.

PreventionGenetics, part of Exact Sciences
Classification: Likely benign for TTN-related condition. Last evaluated: 2021-07-08. Review status: no assertion criteria provided. Collection method: clinical testing. Allele origin: germline. Not counted in ClinVar's aggregate classification.
Comment: This variant is classified as likely benign based on ACMG/AMP sequence variant interpretation guidelines (Richards et al. 2015 PMID: 25741868, with internal and published modifications).